The following is an entry in ClinVar:

ClinVar aggregate classification (germline): Pathogenic (1 of 4 stars; one submission).

Conditions:
Propionic acidemia (PROP). Also called: GLYCINEMIA, KETOTIC; HYPERGLYCINEMIA WITH KETOACIDOSIS AND LEUKOPENIA; KETOTIC HYPERGLYCINEMIA. Identifiers: Orphanet 35, MedGen C0268579, MONDO:0011628, OMIM 606054, HP:0003571.

Submission:

Labcorp Genetics (formerly Invitae), Labcorp
Classification: Pathogenic for Propionic acidemia. Last evaluated: 2024-12-07. Review status: criteria provided, single submitter. Criteria: Invitae Variant Classification Sherloc (09022015). Collection method: clinical testing. Allele origin: germline.
Comment: This sequence change results in a frameshift in the PCCB gene (p.Thr511Hisfs*40). While this is not anticipated to result in nonsense mediated decay, it is expected to disrupt the last 29 amino acid(s) of the PCCB protein and extend the protein by 10 additional amino acid residues. This variant is not present in population databases (gnomAD no frequency). This variant has not been reported in the literature in individuals affected with PCCB-related conditions. This variant disrupts a region of the PCCB protein in which other variant(s) (p.Asn536Asp) have been determined to be pathogenic (PMID: 12757933, 12888983, 22033733, 23053474). This suggests that this is a clinically significant region of the protein, and that variants that disrupt it are likely to be disease-causing. For these reasons, this variant has been classified as Pathogenic.

Literature cited by the submitters: PubMed 12757933; PubMed 12888983; PubMed 22033733; PubMed 23053474.

NM_000532.5(PCCB):c.1530del (p.Thr511fs)

Gene: PCCB (propionyl-CoA carboxylase subunit beta; plus strand). Cytogenetic location: 3q22.3.
Variant type: Deletion.
Coding change: c.1530del on transcript NM_000532.5 (MANE Select); coding-DNA position 1530, one base deleted (C; older notation c.1530delC).
Protein change: p.Thr511fs; shifts the reading frame from threonine 511.
Molecular consequence: frameshift variant.
Genome position (GRCh38, 1-based): chr3:136,329,936, C deleted; the last of 2 consecutive C bases (chr3:136,329,935-136,329,936); deleting either gives the same sequence. VCF-style (leftmost placement, unchanged base first): chr3-136329934-TC-T. GRCh37 (hg19) VCF-style: chr3-136048776-TC-T.
Other names: c.1590del, p.Thr531fs (NM_001178014.2); short protein forms T511fs, T531fs.
Identifiers: ClinVar variation 3726774 (VCV003726774.2).
Genomic context (GRCh38, chr3:136,329,934, plus strand): 5'-ATGATCCACTCCCTTTTCTGTGCTTCACCAGGGTTTGTGGATGACATCATCCAACCTTCT[TC>T]CACACGTGCCCGAATCTGCTGTGACCTGGATGTCTTGGCCAGCAAGAAGGTACAACGTCC-3'